The following is an entry in ClinVar:

ClinVar aggregate classification (germline): Conflicting classifications of pathogenicity. Review status: criteria provided, conflicting classifications (1 of 4 stars). 2 submissions from 2 submitters: Uncertain significance (1); Likely benign (1). Last evaluated 2025-07-28.

Conditions:
Glycogen storage disease IV, classic hepatic. Also called: GSD IV, CLASSIC HEPATIC. Identifiers: MedGen C1856301.
Glycogen storage disease, type IV (GSD4). Also called: Glycogen storage disease due to glycogen branching enzyme deficiency; AMYLOPECTINOSIS; ANDERSEN DISEASE; BRANCHER DEFICIENCY; CIRRHOSIS, FAMILIAL, WITH DEPOSITION OF ABNORMAL GLYCOGEN; GBE1 DEFICIENCY. Identifiers: Orphanet 367, MedGen C0017923, MONDO:0009292, OMIM 232500.
Inborn genetic diseases. Identifiers: MedGen C0950123, MeSH D030342.

Allele frequency attached by ClinVar (database versions not stated): ExAC 0.00004; 1000 Genomes Project 30x 0.00016; 1000 Genomes Project 0.00020.
gnomAD v4.1: 21 of 1,611,330 alleles (0.0013%); highest among the groups gnomAD compares: South Asian, 0.018%; no homozygotes.

Submissions (2):

Ambry Genetics
Classification: Likely benign for Inborn genetic diseases. Last evaluated: 2025-07-28. Review status: criteria provided, single submitter. Criteria: Ambry Variant Classification Scheme 2023. Collection method: clinical testing. Allele origin: germline.

Labcorp Genetics (formerly Invitae), Labcorp
Classification: Uncertain significance for Glycogen storage disease, type IV; Glycogen storage disease IV, classic hepatic. Last evaluated: 2022-03-10. Review status: criteria provided, single submitter. Criteria: Invitae Variant Classification Sherloc (09022015). Collection method: clinical testing. Allele origin: germline.
Comment: This sequence change replaces glutamine, which is neutral and polar, with lysine, which is basic and polar, at codon 270 of the GBE1 protein (p.Gln270Lys). This variant is present in population databases (rs559653237, gnomAD 0.02%). This variant has not been reported in the literature in individuals affected with GBE1-related conditions. Advanced modeling of protein sequence and biophysical properties (such as structural, functional, and spatial information, amino acid conservation, physicochemical variation, residue mobility, and thermodynamic stability) performed at Invitae indicates that this missense variant is not expected to disrupt GBE1 protein function. In summary, the available evidence is currently insufficient to determine the role of this variant in disease. Therefore, it has been classified as a Variant of Uncertain Significance.

NM_000158.4(GBE1):c.808C>A (p.Gln270Lys)

Gene: GBE1 (1,4-alpha-glucan branching enzyme 1; minus strand). Cytogenetic location: 3p12.2.
Variant type: single nucleotide variant.
Coding change: c.808C>A on transcript NM_000158.4 (MANE Select); coding-DNA position 808, C replaced by A.
Protein change: p.Gln270Lys; replaces glutamine 270 with lysine.
Molecular consequence: missense variant.
Genome position (GRCh38, 1-based): chr3:81,642,965, G>T on the plus strand (C>A on the coding strand, the complement: GBE1 is on the minus strand). VCF-style: chr3-81642965-G-T. GRCh37 (hg19) VCF-style: chr3-81692116-G-T.
Other names: c.808C>A (NM_000158.3); short protein forms Q270K.
Identifiers: ClinVar variation 2155631 (VCV002155631.2), dbSNP rs559653237, ClinGen allele CA2499850.